The following is an entry in ClinVar:

NM_017739.4(POMGNT1):c.1615_1616del (p.Glu539fs)

Genes: POMGNT1 (protein O-linked mannose N-acetylglucosaminyltransferase 1 (beta 1,2-); minus strand), TSPAN1 (tetraspanin 1; plus strand). Cytogenetic location: 1p34.1.
Variant type: Deletion.
Coding change: c.1615_1616del on transcript NM_017739.4 (MANE Select); coding-DNA positions 1615 to 1616, 2 bases deleted (GA; older notation c.1615_1616delGA).
Protein change: p.Glu539fs; shifts the reading frame from glutamic acid 539.
Molecular consequence: frameshift variant.
Genome position (GRCh38, 1-based): chr1:46,190,506-46,190,507, TC deleted on the plus strand (GA on the coding strand, the reverse complement: POMGNT1 is on the minus strand); deleting any 2 consecutive bases within chr1:46,190,506-46,190,508 gives the same sequence; the c. name uses the placement nearest the transcript's 3' end. VCF-style (leftmost placement, unchanged base first): chr1-46190505-TTC-T. GRCh37 (hg19) VCF-style: chr1-46656177-TTC-T.
Other names: c.1615_1616del (NM_017739.3); c.1615_1616del, p.Glu539fs (NM_001243766.2, NM_001410783.1); c.1548_1549delAG, p.Glu517Serfs (NM_001290129.3); c.1186_1187del, p.Glu396fs (NM_001290130.2); short protein forms E396fs, E539fs, E517fs.
Identifiers: ClinVar variation 1945000 (VCV001945000.7), dbSNP rs2525355372, ClinGen allele CA2574356092.
Genomic context (GRCh38, chr1:46,190,505, plus strand): 5'-GCTACACCCCAATTGTCCTAGGCCATACCTGAGCAGCCTGTGAACTTCCACTTCATAAGC[TTC>T]TTTCTTCAGACTGAAGAGGAGGGAGAAATGGGTCAGGGGAGTGGGCAGGCCCTCAGGTCC-3'

ClinVar aggregate classification (germline): Pathogenic/Likely pathogenic. Review status: criteria provided, multiple submitters, no conflicts (2 of 4 stars). 3 submissions from 3 submitters: Pathogenic (2); Likely pathogenic (1). Last evaluated 2025-12-02.

Conditions:
Myopathy caused by variation in POMGNT1. Identifiers: MedGen CN305639, MONDO:0700068.
Autosomal recessive limb-girdle muscular dystrophy type 2O. Also called: Limb-Girdle Muscular Dystrophy Type 3C; MUSCULAR DYSTROPHY-DYSTROGLYCANOPATHY (LIMB-GIRDLE), TYPE C, 3; MUSCULAR DYSTROPHY-DYSTROGLYCANOPATHY, LIMB-GIRDLE, POMGNT1-RELATED. Identifiers: Orphanet 206564, MedGen C3150417, MONDO:0013161, OMIM 613157.
Muscular dystrophy-dystroglycanopathy (congenital with impaired intellectual development), type B, 3. Also called: MUSCULAR DYSTROPHY, CONGENITAL, POMGNT1-RELATED; Muscular dystrophy-dystroglycanopathy (congenital with intellectual disability), type B3. Identifiers: MedGen C3150412, MONDO:0013155, OMIM 613151.
Muscle eye brain disease (MEB). Also called: Santavuori congenital muscular dystrophy. Identifiers: Orphanet 588, Orphanet 899, MedGen C0457133, MONDO:0018939.

Submissions (3):

Myriad Genetics, Inc.
Classification: Pathogenic for Myopathy caused by variation in POMGNT1. Last evaluated: 2025-12-02. Review status: criteria provided, single submitter. Criteria: Myriad Autosomal Dominant, Autosomal Recessive and X-Linked Classification Criteria (2023). Collection method: clinical testing. Allele origin: unknown.
Comment: NM_017739.3(POMGNT1):c.1615_1616delGA(E539Sfs*3) is expected to be pathogenic in the context of POMGNT1-related disorders. This variant is predicted to lead to an abnormal or absent protein product due to the creation of a premature termination codon in POMGNT1, a gene where loss-of-function variants are known to be pathogenic. Please note: this variant was assessed in the context of healthy population screening.

Natera, Inc.
Classification: Likely pathogenic for Muscle-eye-brain disease. Last evaluated: 2024-05-24. Review status: criteria provided, single submitter. Criteria: Natera Variant Classification Schema (03/2026). Collection method: clinical testing. Allele origin: germline.
Comment: The c.1615_1616del variant in POMGNT1 is a frameshift variant predicted to shift the reading frame beginning at codon 539 and leads to a stop codon 3 codons downstream. This variant is expected to result in nonsense mediated decay, truncation, or a dysfunctional protein product. This variant is rare in the general population with a frequency below the threshold expected for the associated phenotype(s). Given the available evidence, this variant is classified as Likely Pathogenic.

Labcorp Genetics (formerly Invitae), Labcorp
Classification: Pathogenic for Autosomal recessive limb-girdle muscular dystrophy type 2O; Muscular dystrophy-dystroglycanopathy (congenital with impaired intellectual development), type B, 3. Last evaluated: 2023-09-12. Review status: criteria provided, single submitter. Criteria: Invitae Variant Classification Sherloc (09022015). Collection method: clinical testing. Allele origin: germline.
Comment: For these reasons, this variant has been classified as Pathogenic. ClinVar contains an entry for this variant (Variation ID: 1945000). This variant has not been reported in the literature in individuals affected with POMGNT1-related conditions. This variant is not present in population databases (gnomAD no frequency). This sequence change creates a premature translational stop signal (p.Glu539Serfs*3) in the POMGNT1 gene. It is expected to result in an absent or disrupted protein product. Loss-of-function variants in POMGNT1 are known to be pathogenic (PMID: 19299310, 20816175, 21447391, 26908613, 27391550).

Literature cited by the submitters: PubMed 19299310 (cited by Labcorp Genetics (formerly Invitae), Labcorp); PubMed 20816175 (cited by Labcorp Genetics (formerly Invitae), Labcorp); PubMed 21447391 (cited by Labcorp Genetics (formerly Invitae), Labcorp); PubMed 26908613 (cited by Labcorp Genetics (formerly Invitae), Labcorp); PubMed 27391550 (cited by Labcorp Genetics (formerly Invitae), Labcorp).